The following is an entry in ClinVar:

ClinVar aggregate classification (germline): Uncertain significance (1 of 4 stars; one submission).

Conditions:
Hereditary cancer-predisposing syndrome. Also called: Neoplastic Syndromes, Hereditary; Tumor predisposition; Hereditary neoplastic syndrome; Hereditary Cancer Syndrome. Identifiers: Orphanet 140162, MedGen C0027672, MeSH D009386, MONDO:0015356.

Submission:

Ambry Genetics
Classification: Uncertain significance for Hereditary cancer-predisposing syndrome. Last evaluated: 2024-06-18. Review status: criteria provided, single submitter. Criteria: Ambry Variant Classification Scheme 2023. Collection method: clinical testing. Allele origin: germline.
Comment: The p.Y403F variant (also known as c.1208A>T), located in coding exon 8 of the PTCH1 gene, results from an A to T substitution at nucleotide position 1208. The tyrosine at codon 403 is replaced by phenylalanine, an amino acid with highly similar properties. This amino acid position is conserved. In addition, the in silico prediction for this alteration is inconclusive. Based on the available evidence, the clinical significance of this variant remains unclear.

NM_000264.5(PTCH1):c.1208A>T (p.Tyr403Phe)

Gene: PTCH1 (patched 1; minus strand). Cytogenetic location: 9q22.32.
Variant type: single nucleotide variant.
Coding change: c.1208A>T on transcript NM_000264.5 (MANE Select); coding-DNA position 1208, A replaced by T.
Protein change: p.Tyr403Phe; replaces tyrosine 403 with phenylalanine.
Molecular consequence: missense variant. On other transcripts: non-coding transcript variant (1).
Genome position (GRCh38, 1-based): chr9:95,479,007, T>A on the plus strand (A>T on the coding strand, the complement: PTCH1 is on the minus strand). VCF-style: chr9-95479007-T-A. GRCh37 (hg19) VCF-style: chr9-98241289-T-A.
Other names: c.1010A>T, p.Tyr337Phe (NM_001083602.3); c.1205A>T, p.Tyr402Phe (NM_001083603.3); c.755A>T, p.Tyr252Phe (NM_001083604.3, NM_001083605.3, NM_001083606.3 and 1 more transcripts); c.1208A>T, p.Tyr403Phe (NM_001354918.2); short protein forms Y403F, Y252F, Y337F, Y402F.
Identifiers: ClinVar variation 3311204 (VCV003311204.1).